The following is an entry in ClinVar:

ClinVar aggregate classification (germline): Uncertain significance. Review status: criteria provided, multiple submitters, no conflicts (2 of 4 stars). 3 submissions from 3 submitters: Uncertain significance (3). Last evaluated 2025-03-29.

Conditions:
Hereditary cancer-predisposing syndrome. Also called: Neoplastic Syndromes, Hereditary; Hereditary Cancer Syndrome; Hereditary neoplastic syndrome; Tumor predisposition. Identifiers: Orphanet 140162, MedGen C0027672, MeSH D009386, MONDO:0015356.
Familial cancer of breast. Also called: hereditary breast carcinoma; Hereditary breast cancer; BREAST CANCER, FAMILIAL. Identifiers: Orphanet 227535, MedGen C0346153, MONDO:0016419, OMIM 114480. Disease mechanism: loss of function.

Submissions (3):

Ambry Genetics
Classification: Uncertain significance for Hereditary cancer-predisposing syndrome. Last evaluated: 2025-03-29. Review status: criteria provided, single submitter. Criteria: Ambry Variant Classification Scheme 2023. Collection method: clinical testing. Allele origin: germline.
Comment: The p.R189T variant (also known as c.566G>C), located in coding exon 4 of the PALB2 gene, results from a G to C substitution at nucleotide position 566. The arginine at codon 189 is replaced by threonine, an amino acid with similar properties. This amino acid position is conserved. In addition, this alteration is predicted to be tolerated by in silico analysis. Based on the available evidence, the clinical significance of this variant remains unclear.

Quest Diagnostics Nichols Institute San Juan Capistrano
Classification: Uncertain significance. Last evaluated: 2024-08-29. Review status: criteria provided, single submitter. Criteria: Quest Diagnostics criteria. Collection method: clinical testing. Allele origin: unknown.
Comment: The PALB2 c.566G>C (p.Arg189Thr) variant has not been reported in individuals with PALB2-related conditions in the published literature. It also has not been reported in large, multi-ethnic general populations (Genome Aggregation Database). Analysis of this variant using bioinformatics tools for the prediction of the effect of amino acid changes on protein structure and function yielded predictions that this variant is benign. Based on the available information, we are unable to determine the clinical significance of this variant.

Labcorp Genetics (formerly Invitae), Labcorp
Classification: Uncertain significance for Familial cancer of breast. Last evaluated: 2024-04-29. Review status: criteria provided, single submitter. Criteria: Invitae Variant Classification Sherloc (09022015). Collection method: clinical testing. Allele origin: germline.
Comment: This sequence change replaces arginine, which is basic and polar, with threonine, which is neutral and polar, at codon 189 of the PALB2 protein (p.Arg189Thr). This variant is not present in population databases (gnomAD no frequency). This variant has not been reported in the literature in individuals affected with PALB2-related conditions. An algorithm developed to predict the effect of missense changes on protein structure and function (PolyPhen-2) suggests that this variant is likely to be tolerated. In summary, the available evidence is currently insufficient to determine the role of this variant in disease. Therefore, it has been classified as a Variant of Uncertain Significance.

NM_024675.4(PALB2):c.566G>C (p.Arg189Thr)

Gene: PALB2 (partner and localizer of BRCA2; minus strand). Cytogenetic location: 16p12.2.
Variant type: single nucleotide variant.
Coding change: c.566G>C on transcript NM_024675.4 (MANE Select); coding-DNA position 566, G replaced by C.
Protein change: p.Arg189Thr; replaces arginine 189 with threonine.
Molecular consequence: missense variant. On other transcripts: 5 prime UTR variant (8), intron variant (3).
Genome position (GRCh38, 1-based): chr16:23,635,980, C>G on the plus strand (G>C on the coding strand, the complement: PALB2 is on the minus strand). VCF-style: chr16-23635980-C-G. GRCh37 (hg19) VCF-style: chr16-23647301-C-G.
Other names: c.506G>C, p.Arg169Thr (NM_001407296.1); c.566G>C, p.Arg189Thr (NM_001407297.1, NM_001407298.1, NM_001407299.1 and 3 more transcripts); c.-320G>C (NM_001407304.1, NM_001407305.1, NM_001407306.1 and 5 more transcripts); c.48+5130G>C (NM_001407314.1); c.-105+5130G>C (NM_001407313.1, NM_001407312.1); short protein forms R169T, R189T.
Identifiers: ClinVar variation 2873849 (VCV002873849.5), dbSNP rs764180110, ClinGen allele CA395136810.